The following is an entry in ClinVar:

NM_001130004.2(ACTN1):c.1569C>T (p.Asn523=)

Gene: ACTN1 (actinin alpha 1; minus strand). Cytogenetic location: 14q24.1.
Variant type: single nucleotide variant.
Coding change: c.1569C>T on transcript NM_001130004.2 (MANE Select); coding-DNA position 1569, C replaced by T.
Protein change: p.Asn523=; no amino-acid change (asparagine 523 retained).
Molecular consequence: synonymous variant.
Genome position (GRCh38, 1-based): chr14:68,884,234, G>A on the plus strand (C>T on the coding strand, the complement: ACTN1 is on the minus strand). VCF-style: chr14-68884234-G-A. GRCh37 (hg19) VCF-style: chr14-69350951-G-A.
Other names: c.1569C>T, p.Asn523= (NM_001102.4, NM_001130005.2, NM_001424012.1 and 7 more transcripts); c.1593C>T, p.Asn531= (NM_001411035.1, NM_001424016.1); c.1374C>T, p.Asn458= (NM_001411036.1, NM_001424026.1, NM_001424028.1); c.1695C>T, p.Asn565= (NM_001424013.1); c.1656C>T, p.Asn552= (NM_001424015.1); c.1566C>T, p.Asn522= (NM_001424017.1); c.1530C>T, p.Asn510= (NM_001424018.1); c.1506C>T, p.Asn502= (NM_001424020.1, NM_001424022.1); and 2 more.
Identifiers: ClinVar variation 2792740 (VCV002792740.11), dbSNP rs147072728, ClinGen allele CA7242322.

ClinVar aggregate classification (germline): Benign/Likely benign. Review status: criteria provided, multiple submitters, no conflicts (2 of 4 stars). 3 submissions from 3 submitters: Benign (1); Likely benign (2). Last evaluated 2026-02-01.

Allele frequency attached by ClinVar (database versions not stated): ESP Exome Variant Server 0.00008; ExAC 0.00014; gnomAD exomes 0.00014; 1000 Genomes Project 0.00040; gnomAD 0.00041; TOPMed 0.00047; 1000 Genomes Project 30x 0.00062.
gnomAD v4.1: 276 of 1,614,126 alleles (0.017%); highest among the groups gnomAD compares: Admixed American, 0.12%; 1 homozygote.

Submissions (3):

Labcorp Genetics (formerly Invitae), Labcorp
Classification: Benign. Last evaluated: 2026-02-01. Review status: criteria provided, single submitter. Criteria: Invitae Variant Classification Sherloc (09022015). Collection method: clinical testing. Allele origin: germline.

CeGaT Center for Human Genetics Tuebingen
Classification: Likely benign. Last evaluated: 2025-03-01. Review status: criteria provided, single submitter. Criteria: CeGaT Center For Human Genetics Tuebingen Variant Classification Criteria Version 2. Collection method: clinical testing. Allele origin: germline. Affected: yes. Observed: 1 variant allele.
Comment: ACTN1: BP4, BP7

Blueprint Genetics
Classification: Likely benign. Last evaluated: 2024-11-20. Review status: criteria provided, single submitter. Criteria: ACMG Guidelines, 2015. Collection method: clinical testing. Allele origin: germline.